The following is an entry in ClinVar:

ClinVar aggregate classification (germline): Uncertain significance. Review status: criteria provided, multiple submitters, no conflicts (2 of 4 stars). 2 submissions from 2 submitters: Uncertain significance (2). Last evaluated 2024-09-12.

Conditions:
Inborn genetic diseases. Identifiers: MedGen C0950123, MeSH D030342.

Allele frequency attached by ClinVar (database versions not stated): TOPMed 0.00001; gnomAD 0.00002; gnomAD exomes 0.00004.
gnomAD v4.1: 62 of 1,613,868 alleles (0.0038%); highest among the groups gnomAD compares: Middle Eastern, 0.017%; no homozygotes.

Submissions (2):

Ambry Genetics
Classification: Uncertain significance for Inborn genetic diseases. Last evaluated: 2024-09-12. Review status: criteria provided, single submitter. Criteria: Ambry Variant Classification Scheme 2023. Collection method: clinical testing. Allele origin: germline.

Labcorp Genetics (formerly Invitae), Labcorp
Classification: Uncertain significance. Last evaluated: 2024-08-14. Review status: criteria provided, single submitter. Criteria: Invitae Variant Classification Sherloc (09022015). Collection method: clinical testing. Allele origin: germline.
Comment: This sequence change replaces glycine, which is neutral and non-polar, with glutamic acid, which is acidic and polar, at codon 875 of the LAMA1 protein (p.Gly875Glu). This variant is present in population databases (no rsID available, gnomAD 0.004%). This variant has not been reported in the literature in individuals affected with LAMA1-related conditions. ClinVar contains an entry for this variant (Variation ID: 2268906). An algorithm developed to predict the effect of missense changes on protein structure and function (PolyPhen-2) suggests that this variant is likely to be disruptive. In summary, the available evidence is currently insufficient to determine the role of this variant in disease. Therefore, it has been classified as a Variant of Uncertain Significance.

NM_005559.4(LAMA1):c.2624G>A (p.Gly875Glu)

Gene: LAMA1 (laminin subunit alpha 1; minus strand). Cytogenetic location: 18p11.31.
Variant type: single nucleotide variant.
Coding change: c.2624G>A on transcript NM_005559.4 (MANE Select); coding-DNA position 2624, G replaced by A.
Protein change: p.Gly875Glu; replaces glycine 875 with glutamic acid.
Molecular consequence: missense variant.
Genome position (GRCh38, 1-based): chr18:7,023,241, C>T on the plus strand (G>A on the coding strand, the complement: LAMA1 is on the minus strand). VCF-style: chr18-7023241-C-T. GRCh37 (hg19) VCF-style: chr18-7023240-C-T.
Other names: short protein forms G875E.
Identifiers: ClinVar variation 2268906 (VCV002268906.4), dbSNP rs1268619401, ClinGen allele CA401851740.